The following is an entry in ClinVar:

NM_198576.4(AGRN):c.565G>A (p.Gly189Arg)

Gene: AGRN (agrin; plus strand). Cytogenetic location: 1p36.33.
Variant type: single nucleotide variant.
Coding change: c.565G>A on transcript NM_198576.4 (MANE Select); coding-DNA position 565, G replaced by A.
Protein change: p.Gly189Arg; replaces glycine 189 with arginine.
Molecular consequence: missense variant.
Genome position (GRCh38, 1-based): chr1:1,040,718, G>A. VCF-style: chr1-1040718-G-A. GRCh37 (hg19) VCF-style: chr1-976098-G-A.
Other names: c.565G>A, p.Gly189Arg (NM_001305275.2); c.250G>A, p.Gly84Arg (NM_001364727.2); short protein forms G189R, G84R.
Identifiers: ClinVar variation 1470434 (VCV001470434.4), dbSNP rs1245517864, ClinGen allele CA337821713.
Genomic context (GRCh38, chr1:1,040,718, plus strand): 5'-GCCCCAGCGTGCCGGGGAATGCTGTGCGGCTTCGGCGCCGTGTGCGAGCCCAACGCGGAG[G>A]GGCCGGGCCGGGCGTCCTGCGTCTGCAAGAAGAGCCCGTGCCCCAGCGTGGTGGCGCCTG-3'
Protein context (NP_940978.2, residues 179-199): FGAVCEPNAE[Gly189Arg]PGRASCVCKK

ClinVar aggregate classification (germline): Uncertain significance (1 of 4 stars; one submission).

Conditions:
Congenital myasthenic syndrome 8. Also called: Myasthenic syndrome, congenital, 8, with pre- and postsynaptic defects; MYASTHENIC SYNDROME, CONGENITAL, DUE TO AGRIN DEFICIENCY. Identifiers: Orphanet 590, MedGen C3808739, MONDO:0014052, OMIM 615120.

Submission:

Labcorp Genetics (formerly Invitae), Labcorp
Classification: Uncertain significance for Congenital myasthenic syndrome 8. Last evaluated: 2021-11-30. Review status: criteria provided, single submitter. Criteria: Invitae Variant Classification Sherloc (09022015). Collection method: clinical testing. Allele origin: germline.
Comment: In summary, the available evidence is currently insufficient to determine the role of this variant in disease. Therefore, it has been classified as a Variant of Uncertain Significance. Algorithms developed to predict the effect of missense changes on protein structure and function are either unavailable or do not agree on the potential impact of this missense change (SIFT: "Tolerated"; PolyPhen-2: "Probably Damaging"; Align-GVGD: "Class C0"). This variant has not been reported in the literature in individuals affected with AGRN-related conditions. This variant is not present in population databases (gnomAD no frequency). This sequence change replaces glycine, which is neutral and non-polar, with arginine, which is basic and polar, at codon 189 of the AGRN protein (p.Gly189Arg).